The following is an entry in ClinVar:

ClinVar aggregate classification (germline): Uncertain significance (1 of 4 stars; one submission).

Conditions:
Alagille syndrome due to a JAG1 point mutation. Also called: Alagille Syndrome 1; JAG1-Related Alagille Syndrome; HEPATIC DUCTULAR HYPOPLASIA, SYNDROMATIC. Identifiers: Orphanet 261619, Orphanet 52, MedGen C1956125, MONDO:0016862, OMIM 118450.

Submission:

Labcorp Genetics (formerly Invitae), Labcorp
Classification: Uncertain significance for Alagille syndrome due to a JAG1 point mutation. Last evaluated: 2023-09-09. Review status: criteria provided, single submitter. Criteria: Invitae Variant Classification Sherloc (09022015). Collection method: clinical testing. Allele origin: germline.
Comment: This variant, c.2899_2901del, results in the deletion of 1 amino acid(s) of the JAG1 protein (p.Lys967del), but otherwise preserves the integrity of the reading frame. This variant is not present in population databases (gnomAD no frequency). This variant has not been reported in the literature in individuals affected with JAG1-related conditions. Experimental studies and prediction algorithms are not available or were not evaluated, and the functional significance of this variant is currently unknown. In summary, the available evidence is currently insufficient to determine the role of this variant in disease. Therefore, it has been classified as a Variant of Uncertain Significance.

NM_000214.3(JAG1):c.2899_2901del (p.Lys967del)

Gene: JAG1 (jagged canonical Notch ligand 1; minus strand). Cytogenetic location: 20p12.2.
Variant type: Deletion.
Coding change: c.2899_2901del on transcript NM_000214.3 (MANE Select); coding-DNA positions 2899 to 2901, 3 bases deleted (AAG; older notation c.2899_2901delAAG).
Protein change: p.Lys967del; deletes lysine 967.
Molecular consequence: inframe deletion.
Genome position (GRCh38, 1-based): chr20:10,641,475-10,641,477, CTT deleted on the plus strand (AAG on the coding strand, the reverse complement: JAG1 is on the minus strand). VCF-style (leftmost placement, unchanged base first): chr20-10641474-CCTT-C. GRCh37 (hg19) VCF-style: chr20-10622122-CCTT-C.
Other names: short protein forms K967del.
Identifiers: ClinVar variation 2759226 (VCV002759226.3), dbSNP rs2514508997, ClinGen allele CA2697547294.